The following is an entry in ClinVar:

ClinVar aggregate classification (germline): Uncertain significance (1 of 4 stars; one submission).

Conditions:
Spermatogenic failure 74 (SPGF74). Identifiers: MedGen C5677010, MONDO:0030972, OMIM 619937.
Premature ovarian failure 13 (POF13). Identifiers: MedGen C4479510, MONDO:0044317, OMIM 617442.

Submission:

Juno Genomics, Hangzhou Juno Genomics, Inc
Classification: Uncertain significance for Premature ovarian failure 13; Spermatogenic failure 74. Review status: criteria provided, single submitter. Criteria: ACMG Guidelines, 2015. Collection method: clinical testing. Allele origin: germline.
Comment: Absent from controls (or at extremely low frequency if recessive) in Genome Aggregation Database.;Multiple lines of computational evidence support a deleterious effect on the gene or gene product.

NM_172166.4(MSH5):c.712C>T (p.His238Tyr)

Genes: MSH5 (mutS homolog 5; plus strand), MSH5-SAPCD1 (MSH5-SAPCD1 readthrough (NMD candidate); plus strand). Cytogenetic location: 6p21.33.
Variant type: single nucleotide variant.
Coding change: c.712C>T on transcript NM_172166.4 (MANE Select); coding-DNA position 712, C replaced by T.
Protein change: p.His238Tyr; replaces histidine 238 with tyrosine.
Molecular consequence: missense variant. On other transcripts: non-coding transcript variant (1).
Genome position (GRCh38, 1-based): chr6:31,745,265, C>T. VCF-style: chr6-31745265-C-T. GRCh37 (hg19) VCF-style: chr6-31713042-C-T.
Other names: c.712C>T, p.His238Tyr (NM_002441.5, NM_172165.4); c.763C>T, p.His255Tyr (NM_025259.6); short protein forms H238Y, H255Y.
Identifiers: ClinVar variation 5007015 (VCV005007015.2).